The following is an entry in ClinVar:

NM_000321.3(RB1):c.610G>T (p.Glu204Ter)

Gene: RB1 (RB transcriptional corepressor 1; plus strand). Cytogenetic location: 13q14.2.
Variant type: single nucleotide variant.
Coding change: c.610G>T on transcript NM_000321.3 (MANE Select); coding-DNA position 610, G replaced by T.
Protein change: p.Glu204Ter; replaces glutamic acid 204 with a stop codon.
Molecular consequence: nonsense.
Genome position (GRCh38, 1-based): chr13:48,360,019, G>T. VCF-style: chr13-48360019-G-T. GRCh37 (hg19) VCF-style: chr13-48934155-G-T.
Other names: short protein forms E204*.
Identifiers: ClinVar variation 1457695 (VCV001457695.8), dbSNP rs1340261233, ClinGen allele CA388158091.
Genomic context (GRCh38, chr13:48,360,019, plus strand): 5'-CTCTCATACAAAGATCTGAATCTCTAACTTTCTTTAAAAATGTACATTTTTTTTTCAGGG[G>T]AAGTATTACAAATGGAAGATGATCTGGTGATTTCATTTCAGTTAATGCTATGTGTCCTTG-3'

ClinVar aggregate classification (germline): Pathogenic (1 of 4 stars; one submission).

Conditions:
Retinoblastoma (RB1). Also called: RETINOBLASTOMA, SOMATIC. Identifiers: Orphanet 790, MedGen C0035335, MeSH D012175, MONDO:0008380, OMIM 180200, HP:0009919. Disease mechanism: loss of function. Inheritance: Both sporadic and heritable forms are tested..

Submission:

Labcorp Genetics (formerly Invitae), Labcorp
Classification: Pathogenic for Retinoblastoma. Last evaluated: 2021-05-21. Review status: criteria provided, single submitter. Criteria: Invitae Variant Classification Sherloc (09022015). Collection method: clinical testing. Allele origin: germline.
Comment: For these reasons, this variant has been classified as Pathogenic. Algorithms developed to predict the effect of sequence changes on RNA splicing suggest that this variant may create or strengthen a splice site, but this prediction has not been confirmed by published transcriptional studies. This variant has been observed in individual(s) with retinoblastoma (PMID: 26396485). This variant is not present in population databases (ExAC no frequency). This sequence change creates a premature translational stop signal (p.Glu204*) in the RB1 gene. It is expected to result in an absent or disrupted protein product. Loss-of-function variants in RB1 are known to be pathogenic (PMID: 17096365).

Literature cited by the submitters: PubMed 26396485; PubMed 17096365.